The following is an entry in ClinVar:

ClinVar aggregate classification (germline): Uncertain significance. Review status: criteria provided, multiple submitters, no conflicts (2 of 4 stars). 2 submissions from 2 submitters: Uncertain significance (2). Last evaluated 2026-05-08.

Conditions:
Hereditary breast ovarian cancer syndrome. Also called: Breast and ovarian cancer; Hereditary breast and/or ovarian cancer syndrome; BRCA1- and BRCA2-Associated Hereditary Breast and Ovarian Cancer; Hereditary breast and ovarian cancer syndrome; Hereditary breast and ovarian cancer; Hereditary breast and ovarian cancer syndrome (HBOC). Identifiers: Orphanet 145, MedGen C0677776, MeSH D061325, MONDO:0003582. Disease mechanism: loss of function.
Hereditary cancer-predisposing syndrome. Also called: Neoplastic Syndromes, Hereditary; Tumor predisposition; Hereditary Cancer Syndrome; Hereditary neoplastic syndrome. Identifiers: Orphanet 140162, MedGen C0027672, MeSH D009386, MONDO:0015356.

Submissions (2):

Ambry Genetics
Classification: Uncertain significance for Hereditary cancer-predisposing syndrome. Last evaluated: 2026-05-08. Review status: criteria provided, single submitter. Criteria: Ambry Variant Classification Scheme 2023. Collection method: clinical testing. Allele origin: germline.
Comment: The p.V1607A variant (also known as c.4820T>C), located in coding exon 14 of the BRCA1 gene, results from a T to C substitution at nucleotide position 4820. The valine at codon 1607 is replaced by alanine, an amino acid with similar properties. This amino acid position is well conserved in available vertebrate species. In addition, the in silico prediction for this alteration is inconclusive. Based on the available evidence, the clinical significance of this variant remains unclear.

Labcorp Genetics (formerly Invitae), Labcorp
Classification: Uncertain significance for Hereditary breast ovarian cancer syndrome. Last evaluated: 2025-03-13. Review status: criteria provided, single submitter. Criteria: Invitae Variant Classification Sherloc (09022015). Collection method: clinical testing. Allele origin: germline.
Comment: This sequence change replaces valine, which is neutral and non-polar, with alanine, which is neutral and non-polar, at codon 1607 of the BRCA1 protein (p.Val1607Ala). This variant is not present in population databases (gnomAD no frequency). This missense change has been observed in individual(s) with breast and/or ovarian cancer (PMID: 30702160). Invitae Evidence Modeling of protein sequence and biophysical properties (such as structural, functional, and spatial information, amino acid conservation, physicochemical variation, residue mobility, and thermodynamic stability) indicates that this missense variant is not expected to disrupt BRCA1 protein function with a negative predictive value of 95%. In summary, the available evidence is currently insufficient to determine the role of this variant in disease. Therefore, it has been classified as a Variant of Uncertain Significance.

Literature cited by the submitters: PubMed 30702160 (cited by Labcorp Genetics (formerly Invitae), Labcorp).

NM_007294.4(BRCA1):c.4820T>C (p.Val1607Ala)

Gene: BRCA1 (BRCA1 DNA repair associated; minus strand). Cytogenetic location: 17q21.31.
Variant type: single nucleotide variant.
Coding change: c.4820T>C on transcript NM_007294.4 (MANE Select); coding-DNA position 4820, T replaced by C.
Protein change: p.Val1607Ala; replaces valine 1607 with alanine.
Molecular consequence: missense variant. On other transcripts: non-coding transcript variant (1).
Genome position (GRCh38, 1-based): chr17:43,071,094, A>G on the plus strand (T>C on the coding strand, the complement: BRCA1 is on the minus strand). VCF-style: chr17-43071094-A-G. GRCh37 (hg19) VCF-style: chr17-41223111-A-G.
Other names: c.1367T>C, p.Val456Ala (NM_001408465.1, NM_001408458.1, NM_001408459.1 and 7 more transcripts); c.1301T>C, p.Val434Ala (NM_001408478.1, NM_001408479.1, NM_001408480.1); c.1298T>C, p.Val433Ala (NM_001408481.1, NM_001408482.1, NM_001408483.1 and 5 more transcripts); c.1247T>C, p.Val416Ala (NM_001408500.1, NM_001408501.1, NM_001408496.1 and 3 more transcripts); c.1244T>C, p.Val415Ala (NM_001408502.1, NM_001408503.1, NM_001408504.1); c.1241T>C, p.Val414Ala (NM_001408505.1); c.1184T>C, p.Val395Ala (NM_001408506.1); c.1181T>C, p.Val394Ala (NM_001408507.1); and 70 more; short protein forms V1607A, V1628A, V1560A, V503A, V1453A, V1494A, V1496A, V1518A.
Identifiers: ClinVar variation 4751061 (VCV004751061.2), dbSNP rs886040863.
Genomic context (GRCh38, chr17:43,071,094, plus strand): 5'-GCATTATACCCAGCAGTATCAGTAGTATGAGCAGCAGCTGGACTCTGGGCAGATTCTGCA[A>G]CTTTCAATTGGGGAACTTTCAATGCAGAGGTTGAAGATGGTATGTTGCCAACACGAGCTG-3'
Protein context (NP_009225.1, residues 1597-1617): TSALKVPQLK[Val1607Ala]AESAQSPAAA